The following is an entry in ClinVar:

ClinVar aggregate classification (germline): Uncertain significance. Review status: criteria provided, multiple submitters, no conflicts (2 of 4 stars). 3 submissions from 3 submitters: Uncertain significance (3). Last evaluated 2026-01-15.

Conditions:
Inborn genetic diseases. Identifiers: MedGen C0950123, MeSH D030342.
Autosomal recessive cerebellar ataxia-saccadic intrusion syndrome. Also called: VPS13D Movement Disorder; SPINOCEREBELLAR ATAXIA 24. Identifiers: Orphanet 95434, MedGen C1846492, MONDO:0011811, OMIM 607317.

Allele frequency attached by ClinVar (database versions not stated): TOPMed 0.00006; gnomAD exomes below 0.00001 and 0.00002; gnomAD 0.00004.
gnomAD v4.1: 13 of 1,614,090 alleles (0.00081%); highest among the groups gnomAD compares: African/African-American, 0.015%; no homozygotes.

Submissions (3):

GeneDx
Classification: Uncertain significance. Last evaluated: 2026-01-15. Review status: criteria provided, single submitter. Criteria: GeneDx Variant Classification Process June 2021. Collection method: clinical testing. Allele origin: germline.
Comment: In silico analysis supports that this missense variant has a deleterious effect on protein structure/function; Has not been previously published as pathogenic or benign to our knowledge

Ambry Genetics
Classification: Uncertain significance for Inborn genetic diseases. Last evaluated: 2024-11-09. Review status: criteria provided, single submitter. Criteria: Ambry Variant Classification Scheme 2023. Collection method: clinical testing. Allele origin: germline.

Baylor Genetics
Classification: Uncertain significance for Autosomal recessive cerebellar ataxia-saccadic intrusion syndrome. Last evaluated: 2019-09-07. Review status: criteria provided, single submitter. Criteria: ACMG Guidelines, 2015. Collection method: clinical testing. Allele origin: unknown. Affected: yes.
Comment: This variant was determined to be of uncertain significance according to ACMG Guidelines, 2015 [PMID:25741868].

NM_015378.4(VPS13D):c.9157A>G (p.Ile3053Val)

Gene: VPS13D (vacuolar protein sorting 13 homolog D; plus strand). Cytogenetic location: 1p36.22.
Variant type: single nucleotide variant.
Coding change: c.9157A>G on transcript NM_015378.4 (MANE Select); coding-DNA position 9157, A replaced by G.
Protein change: p.Ile3053Val; replaces isoleucine 3053 with valine.
Molecular consequence: missense variant.
Genome position (GRCh38, 1-based): chr1:12,348,910, A>G. VCF-style: chr1-12348910-A-G. GRCh37 (hg19) VCF-style: chr1-12408967-A-G.
Other names: c.9157A>G (NM_015378.3); c.9082A>G, p.Ile3028Val (NM_018156.4); short protein forms I3028V, I3053V.
Identifiers: ClinVar variation 1029397 (VCV001029397.4), dbSNP rs966474941, ClinGen allele CA18050782.